The following is an entry in ClinVar:

ClinVar aggregate classification (germline): Pathogenic (1 of 4 stars; one submission).

Submission:

GeneDx
Classification: Pathogenic. Last evaluated: 2018-01-26. Review status: criteria provided, single submitter. Criteria: GeneDx Variant Classification (06012015). Collection method: clinical testing. Allele origin: germline. Affected: yes.
Comment: The c.186_194delGTTACCCACinsTGGTG variant in the GATAD2B gene has not been reported previously as a pathogenic variant nor as a benign variant, to our knowledge. This variant causes a frameshift starting with codon Glutamic acid 62, changes this amino acid to an Aspartic acid residue, and creates a premature Stop codon at position 45 of the new reading frame, denoted p.Glu62AspfsX45. This variant is predicted to cause loss of normal protein function either through protein truncation or nonsense-mediated mRNA decay. Furthermore, this variant is not observed in large population cohorts (Lek et al., 2016). Therefore, we interpret c.186_194delGTTACCCACinsTGGTG as a pathogenic variant.

NM_020699.4(GATAD2B):c.186_194delinsTGGTG (p.Glu62fs)

Gene: GATAD2B (GATA zinc finger domain containing 2B; minus strand). Cytogenetic location: 1q21.3.
Variant type: Indel.
Coding change: c.186_194delinsTGGTG on transcript NM_020699.4 (MANE Select); coding-DNA positions 186 to 194, GTTACCCAC replaced by TGGTG.
Protein change: p.Glu62fs; shifts the reading frame from glutamic acid 62.
Molecular consequence: frameshift variant.
Genome position (GRCh38, 1-based): chr1:153,828,154-153,828,162, GTGGGTAAC replaced by CACCA on the plus strand (GTTACCCAC replaced by TGGTG on the coding strand, the reverse complement: GATAD2B is on the minus strand). VCF-style: chr1-153828154-GTGGGTAAC-CACCA. GRCh37 (hg19) VCF-style: chr1-153800630-GTGGGTAAC-CACCA.
Other names: short protein forms E62fs.
Identifiers: ClinVar variation 504174 (VCV000504174.1), dbSNP rs1553189700, ClinGen allele CA658795519.